The following is an entry in ClinVar:

ClinVar aggregate classification (germline): Pathogenic (1 of 4 stars; one submission).

Submission:

Labcorp Genetics (formerly Invitae), Labcorp
Classification: Pathogenic. Last evaluated: 2019-10-25. Review status: criteria provided, single submitter. Criteria: Invitae Variant Classification Sherloc (09022015). Collection method: clinical testing. Allele origin: germline.
Comment: This sequence change replaces cysteine with tyrosine at codon 746 of the PHEX protein (p.Cys746Tyr). The cysteine residue is highly conserved and there is a large physicochemical difference between cysteine and tyrosine. This variant is not present in population databases (ExAC no frequency). For these reasons, this variant has been classified as Pathogenic. This variant disrupts the p.Cys746Trp amino acid residue in PHEX. Other variant(s) that disrupt this residue have been observed in individuals with PHEX-related conditions (PMID: 10439971), which suggests that this may be a clinically significant amino acid residue. Algorithms developed to predict the effect of missense changes on protein structure and function are either unavailable or do not agree on the potential impact of this missense change (SIFT: "Deleterious"; PolyPhen-2: "Probably Damaging"; Align-GVGD: "Class C0"). This variant has been observed to segregate with X-linked hypophosphatemic rickets in a family (PMID: 23813354).

Literature cited by the submitters: PubMed 10439971; PubMed 23813354.

NM_000444.6(PHEX):c.2237G>A (p.Cys746Tyr)

Genes: PTCHD1-AS (PTCHD1 and PHEX antisense RNA; minus strand), PHEX (phosphate regulating endopeptidase X-linked; plus strand). Cytogenetic location: Xp22.11.
Variant type: single nucleotide variant.
Coding change: c.2237G>A on transcript NM_000444.6 (MANE Select); coding-DNA position 2237, G replaced by A.
Protein change: p.Cys746Tyr; replaces cysteine 746 with tyrosine.
Molecular consequence: missense variant. On other transcripts: 3 prime UTR variant (1).
Genome position (GRCh38, 1-based): chrX:22,247,940, G>A. VCF-style: chrX-22247940-G-A. GRCh37 (hg19) VCF-style: chrX-22266057-G-A.
Other names: c.*72G>A (NM_001282754.2); short protein forms C746Y.
Identifiers: ClinVar variation 947870 (VCV000947870.9), dbSNP rs1057517799, ClinGen allele CA412575551.